The following is an entry in ClinVar:

ClinVar aggregate classification (germline): Benign/Likely benign. Review status: criteria provided, multiple submitters, no conflicts (2 of 4 stars). 4 submissions from 4 submitters: Benign (2); Likely benign (2). Last evaluated 2026-09-01.

Conditions:
Inborn genetic diseases. Identifiers: MedGen C0950123, MeSH D030342.

Allele frequency attached by ClinVar (database versions not stated): 1000 Genomes Project 30x 0.00156; 1000 Genomes Project 0.00180; gnomAD exomes 0.00547 and 0.00683; gnomAD 0.00555 and 0.00577; TOPMed 0.00562; ESP Exome Variant Server 0.00608; ExAC 0.00766.

Submissions (4):

CeGaT Center for Human Genetics Tuebingen
Classification: Likely benign. Last evaluated: 2026-09-01. Review status: criteria provided, single submitter. Criteria: CeGaT Center For Human Genetics Tuebingen Variant Classification Criteria Version 2. Collection method: clinical testing. Allele origin: germline. Affected: yes. Observed: 66 variant alleles.
Comment: TRMT1: BP4, BP7, BS2

Ambry Genetics
Classification: Likely benign for Inborn genetic diseases. Last evaluated: 2024-11-13. Review status: criteria provided, single submitter. Criteria: Ambry Variant Classification Scheme 2023. Collection method: clinical testing. Allele origin: germline.

Labcorp Genetics (formerly Invitae), Labcorp
Classification: Benign. Last evaluated: 2019-12-31. Review status: criteria provided, single submitter. Criteria: Invitae Variant Classification Sherloc (09022015). Collection method: clinical testing. Allele origin: germline.

Breakthrough Genomics
Classification: Benign. Review status: criteria provided, single submitter. Criteria: ACMG Guidelines, 2015. Collection method: not provided. Allele origin: germline. Inheritance: Autosomal recessive inheritance. Affected: yes.

NM_001136035.4(TRMT1):c.1554A>G (p.Pro518=)

Gene: TRMT1 (tRNA methyltransferase 1; minus strand). Cytogenetic location: 19p13.13.
Variant type: single nucleotide variant.
Coding change: c.1554A>G on transcript NM_001136035.4 (MANE Select); coding-DNA position 1554, A replaced by G.
Protein change: p.Pro518=; no amino-acid change (proline 518 retained).
Molecular consequence: synonymous variant.
Genome position (GRCh38, 1-based): chr19:13,107,603, T>C on the plus strand (A>G on the coding strand, the complement: TRMT1 is on the minus strand). VCF-style: chr19-13107603-T-C. GRCh37 (hg19) VCF-style: chr19-13218417-T-C.
Other names: c.1554A>G (NM_017722.3); c.1467A>G, p.Pro489= (NM_001142554.3, NM_001351760.2); c.1446A>G, p.Pro482= (NM_001351761.2); c.771A>G, p.Pro257= (NM_001351762.2); c.1554A>G, p.Pro518= (NM_017722.5).
Identifiers: ClinVar variation 781879 (VCV000781879.39), dbSNP rs148858467, ClinGen allele CA9237594.
Genomic context (GRCh38, chr19:13,107,603, plus strand): 5'-CCTGGCCGCTCCTGCATGTGCTTGCCCCTACCTGGGCTCCACACTGAGAATGCGGAACGC[T>C]GGGCTAGTCTCTGATAGTCGCTCCCGTTTCACCGGACATTCCTTCTCCTGGGGGCAGAGG-3'
Protein context (NP_001129507.1, residues 508-528): VKRERLSETS[Pro518=]AFRILSVEPR